The following is an entry in ClinVar:

ClinVar aggregate classification (germline): Uncertain significance (1 of 4 stars; one submission).

Submission:

Ambry Genetics
Classification: Uncertain significance. Last evaluated: 2024-07-11. Review status: criteria provided, single submitter. Criteria: Ambry Variant Classification Scheme 2023. Collection method: clinical testing. Allele origin: germline.
Comment: The p.E359D variant (also known as c.1077A>C), located in coding exon 10 of the ILK gene, results from an A to C substitution at nucleotide position 1077. The glutamic acid at codon 359 is replaced by aspartic acid, an amino acid with highly similar properties. This amino acid position is conserved. In addition, this alteration is predicted to be deleterious by in silico analysis. Based on the available evidence, the clinical significance of this variant remains unclear.

NM_004517.4(ILK):c.1077A>C (p.Glu359Asp)

Genes: ILK (integrin linked kinase; plus strand), TAF10 (TATA-box binding protein associated factor 10; minus strand). Cytogenetic location: 11p15.4.
Variant type: single nucleotide variant.
Coding change: c.1077A>C on transcript NM_004517.4 (MANE Select); coding-DNA position 1077, A replaced by C.
Protein change: p.Glu359Asp; replaces glutamic acid 359 with aspartic acid.
Molecular consequence: missense variant. On other transcripts: 3 prime UTR variant (1).
Genome position (GRCh38, 1-based): chr11:6,610,034, A>C. VCF-style: chr11-6610034-A-C. GRCh37 (hg19) VCF-style: chr11-6631265-A-C.
Other names: c.1077A>C, p.Glu359Asp (NM_001014794.3, NM_001014795.3); c.894A>C, p.Glu298Asp (NM_001278441.2); c.675A>C, p.Glu225Asp (NM_001278442.2); c.*888T>G (NM_006284.4); short protein forms E225D, E298D, E359D.
Identifiers: ClinVar variation 3528896 (VCV003528896.1).
Genomic context (GRCh38, chr11:6,610,034, plus strand): 5'-TGTCAAGTTCTCTTTCCAATGTCCTGGTCGCATGTATGCACCTGCCTGGGTAGCCCCCGA[A>C]GGTGAGTGAAGTCATCATGTCGGGAGGTAAAAAAGGACCACCTCAGAAGTAGTGGAAGGG-3'
Protein context (NP_004508.1, residues 349-369): RMYAPAWVAP[Glu359Asp]ALQKKPEDTN